The following is an entry in ClinVar:

ClinVar aggregate classification (germline): Uncertain significance (1 of 4 stars; one submission).

Allele frequency attached by ClinVar (database versions not stated): ExAC 0.00001; gnomAD exomes 0.00001.
gnomAD v4.1: 2 of 1,614,006 alleles (0.00012%); highest among the groups gnomAD compares: Admixed American, 0.0033%; no homozygotes.

Submission:

Labcorp Genetics (formerly Invitae), Labcorp
Classification: Uncertain significance. Last evaluated: 2023-05-08. Review status: criteria provided, single submitter. Criteria: Invitae Variant Classification Sherloc (09022015). Collection method: clinical testing. Allele origin: germline.
Comment: This sequence change replaces aspartic acid, which is acidic and polar, with asparagine, which is neutral and polar, at codon 281 of the SLC39A8 protein (p.Asp281Asn). This variant is present in population databases (rs748870391, gnomAD 0.006%). This variant has not been reported in the literature in individuals affected with SLC39A8-related conditions. ClinVar contains an entry for this variant (Variation ID: 1486256). An algorithm developed to predict the effect of missense changes on protein structure and function (PolyPhen-2) suggests that this variant is likely to be disruptive. Algorithms developed to predict the effect of sequence changes on RNA splicing suggest that this variant may disrupt the consensus splice site. In summary, the available evidence is currently insufficient to determine the role of this variant in disease. Therefore, it has been classified as a Variant of Uncertain Significance.

NM_001135146.2(SLC39A8):c.841G>A (p.Asp281Asn)

Genes: SLC39A8 (solute carrier family 39 member 8; minus strand), LOC126807125 (MED14-independent group 3 enhancer GRCh37_chr4:103188587-103189786; plus strand). Cytogenetic location: 4q24.
Variant type: single nucleotide variant.
Coding change: c.841G>A on transcript NM_001135146.2 (MANE Select); coding-DNA position 841, G replaced by A.
Protein change: p.Asp281Asn; replaces aspartic acid 281 with asparagine.
Molecular consequence: missense variant.
Genome position (GRCh38, 1-based): chr4:102,268,079, C>T on the plus strand (G>A on the coding strand, the complement: SLC39A8 is on the minus strand). VCF-style: chr4-102268079-C-T. GRCh37 (hg19) VCF-style: chr4-103189236-C-T.
Other names: c.841G>A, p.Asp281Asn (NM_001135147.1, NM_022154.5); c.640G>A, p.Asp214Asn (NM_001135148.2); short protein forms D214N, D281N.
Identifiers: ClinVar variation 1486256 (VCV001486256.8), dbSNP rs748870391, ClinGen allele CA3025556.
Genomic context (GRCh38, chr4:102,268,079, plus strand): 5'-CTATTTCTGACAGTTTGGGCCCCTTCAAACAGGTACATGAACTTGGCTCTTTTTTTCCAT[C>T]CTAGCAGAAAATCAATTAAAATGATAACCAACATTTCTTGAAAGTCTCAGAAATACAGAC-3'
Protein context (NP_001128618.1, residues 271-291): FDNVSVVSLQ[Asp281Asn]GKKEPSSCTC